The following is an entry in ClinVar:

ClinVar aggregate classification (germline): Conflicting classifications of pathogenicity. Review status: criteria provided, conflicting classifications (1 of 4 stars). 5 submissions from 5 submitters: Uncertain significance (1); Likely benign (4). Last evaluated 2026-03-31.

Conditions:
GALNS-related disorder. Also called: GALNS-related condition.
Mucopolysaccharidosis, MPS-IV-A (MPS4A). Also called: mucopolysaccharidosis type 4A; Morquio syndrome A, mild; MORQUIO SYNDROME A; MPS IVA; Mucopolysaccharidosis type IV A; GALACTOSAMINE-6-SULFATASE DEFICIENCY. Identifiers: Orphanet 309297, Orphanet 582, MedGen C0086651, MONDO:0009659, OMIM 253000.

Allele frequency attached by ClinVar (database versions not stated): gnomAD 0.00006; 1000 Genomes Project 30x 0.00016; ESP Exome Variant Server 0.00023; TOPMed 0.00048.
gnomAD v4.1: 449 of 1,608,552 alleles (0.028%); highest among the groups gnomAD compares: Admixed American, 0.11%; 1 homozygote.

Submissions (5):

PreventionGenetics, part of Exact Sciences
Classification: Likely benign for GALNS-related condition. Last evaluated: 2026-03-31. Review status: criteria provided, single submitter. Criteria: ACMG Guidelines, 2015. Collection method: clinical testing. Allele origin: germline.
Comment: This variant is classified as likely benign based on ACMG/AMP sequence variant interpretation guidelines (Richards et al. 2015 PMID: 25741868, with internal and published modifications).

Labcorp Genetics (formerly Invitae), Labcorp
Classification: Likely benign for Mucopolysaccharidosis, MPS-IV-A. Last evaluated: 2026-01-28. Review status: criteria provided, single submitter. Criteria: Invitae Variant Classification Sherloc (09022015). Collection method: clinical testing. Allele origin: germline.

Blueprint Genetics
Classification: Likely benign. Last evaluated: 2024-10-21. Review status: criteria provided, single submitter. Criteria: ACMG Guidelines, 2015. Collection method: clinical testing. Allele origin: germline.

Genome-Nilou Lab
Classification: Likely benign for Mucopolysaccharidosis, MPS-IV-A. Last evaluated: 2021-11-07. Review status: criteria provided, single submitter. Criteria: ACMG Guidelines, 2015. Collection method: clinical testing. Allele origin: germline. Affected: no.

Illumina Laboratory Services, Illumina
Classification: Uncertain significance for Mucopolysaccharidosis, MPS-IV-A. Last evaluated: 2018-01-12. Review status: criteria provided, single submitter. Criteria: ICSL Variant Classification Criteria 13 December 2019. Collection method: clinical testing. Allele origin: germline.

NM_000512.5(GALNS):c.1071G>A (p.Pro357=)

Gene: GALNS (galactosamine (N-acetyl)-6-sulfatase; minus strand). Cytogenetic location: 16q24.3.
Variant type: single nucleotide variant.
Coding change: c.1071G>A on transcript NM_000512.5 (MANE Select); coding-DNA position 1071, G replaced by A.
Protein change: p.Pro357=; no amino-acid change (proline 357 retained).
Molecular consequence: synonymous variant.
Genome position (GRCh38, 1-based): chr16:88,826,770, C>T on the plus strand (G>A on the coding strand, the complement: GALNS is on the minus strand). VCF-style: chr16-88826770-C-T. GRCh37 (hg19) VCF-style: chr16-88893178-C-T.
Other names: c.516G>A, p.Pro172= (NM_001323543.2); c.1089G>A, p.Pro363= (NM_001323544.2).
Identifiers: ClinVar variation 321195 (VCV000321195.20), dbSNP rs374619390, ClinGen allele CA8234832.
Genomic context (GRCh38, chr16:88,826,770, plus strand): 5'-CAGCCGGCCCTGCAGGAGGGTGGGGAGGAGGTTGAGGCCATCAATGGCCCTGTCGCTGGG[C>T]GGCGTCAGGCCCGCAAGGGCCAGGCTGGTGGTGAAGAGGTCCATGATGCTGCCCAGCTGG-3'
Protein context (NP_000503.1, residues 347-367): TTSLALAGLT[Pro357=]PSDRAIDGLN